The following is an entry in ClinVar:

ClinVar aggregate classification (germline): Uncertain significance (1 of 4 stars; one submission).

Submission:

Labcorp Genetics (formerly Invitae), Labcorp
Classification: Uncertain significance. Last evaluated: 2022-05-21. Review status: criteria provided, single submitter. Criteria: Invitae Variant Classification Sherloc (09022015). Collection method: clinical testing. Allele origin: germline.
Comment: This sequence change replaces histidine, which is basic and polar, with glutamine, which is neutral and polar, at codon 6 of the FGG protein (p.His6Gln). This variant is not present in population databases (gnomAD no frequency). This variant has not been reported in the literature in individuals affected with FGG-related conditions. Algorithms developed to predict the effect of missense changes on protein structure and function output the following: SIFT: "Tolerated"; PolyPhen-2: "Benign"; Align-GVGD: "Class C0". The glutamine amino acid residue is found in multiple mammalian species, which suggests that this missense change does not adversely affect protein function. In summary, the available evidence is currently insufficient to determine the role of this variant in disease. Therefore, it has been classified as a Variant of Uncertain Significance.

NM_021870.3(FGG):c.18C>A (p.His6Gln)

Gene: FGG (fibrinogen gamma chain; minus strand). Cytogenetic location: 4q32.1.
Variant type: single nucleotide variant.
Coding change: c.18C>A on transcript NM_021870.3 (MANE Select); coding-DNA position 18, C replaced by A.
Protein change: p.His6Gln; replaces histidine 6 with glutamine.
Molecular consequence: missense variant.
Genome position (GRCh38, 1-based): chr4:154,612,592, G>T on the plus strand (C>A on the coding strand, the complement: FGG is on the minus strand). VCF-style: chr4-154612592-G-T. GRCh37 (hg19) VCF-style: chr4-155533744-G-T.
Other names: c.18C>A, p.His6Gln (NM_000509.6); short protein forms H6Q.
Identifiers: ClinVar variation 1956097 (VCV001956097.5), dbSNP rs756496862, ClinGen allele CA358538710.